The following is an entry in ClinVar:

ClinVar aggregate classification (germline): Uncertain significance (1 of 4 stars; one submission).

Conditions:
Dyskeratosis congenita. Identifiers: Orphanet 1775, MedGen C0265965, MONDO:0015780.

gnomAD v4.1: 8 of 1,614,016 alleles (0.0005%); highest among the groups gnomAD compares: South Asian, 0.0044%; 1 homozygote.

Submission:

Labcorp Genetics (formerly Invitae), Labcorp
Classification: Uncertain significance for Dyskeratosis congenita. Last evaluated: 2025-12-01. Review status: criteria provided, single submitter. Criteria: Invitae Variant Classification Sherloc (09022015). Collection method: clinical testing. Allele origin: germline.
Comment: This sequence change replaces proline, which is neutral and non-polar, with serine, which is neutral and polar, at codon 822 of the CTC1 protein (p.Pro822Ser). This variant is present in population databases (rs749763076, gnomAD 0.01%). This variant has not been reported in the literature in individuals affected with CTC1-related conditions. Invitae Evidence Modeling of protein sequence and biophysical properties (such as structural, functional, and spatial information, amino acid conservation, physicochemical variation, residue mobility, and thermodynamic stability) indicates that this missense variant is not expected to disrupt CTC1 protein function with a negative predictive value of 80%. In summary, the available evidence is currently insufficient to determine the role of this variant in disease. Therefore, it has been classified as a Variant of Uncertain Significance.

NM_025099.6(CTC1):c.2464C>T (p.Pro822Ser)

Gene: CTC1 (CST telomere replication complex component 1; minus strand). Cytogenetic location: 17p13.1.
Variant type: single nucleotide variant.
Coding change: c.2464C>T on transcript NM_025099.6 (MANE Select); coding-DNA position 2464, C replaced by T.
Protein change: p.Pro822Ser; replaces proline 822 with serine.
Molecular consequence: missense variant. On other transcripts: non-coding transcript variant (1).
Genome position (GRCh38, 1-based): chr17:8,231,737, G>A on the plus strand (C>T on the coding strand, the complement: CTC1 is on the minus strand). VCF-style: chr17-8231737-G-A. GRCh37 (hg19) VCF-style: chr17-8135055-G-A.
Other names: c.2464C>T, p.Pro822Ser (NM_001411067.1); short protein forms P822S.
Identifiers: ClinVar variation 4744513 (VCV004744513.1).